The following is an entry in ClinVar:

ClinVar aggregate classification (germline): Uncertain significance (1 of 4 stars; one submission).

Conditions:
Hereditary breast ovarian cancer syndrome. Also called: Hereditary breast and ovarian cancer syndrome; Hereditary breast and ovarian cancer syndrome (HBOC); Hereditary breast and/or ovarian cancer syndrome; Hereditary breast and ovarian cancer; Breast and ovarian cancer; BRCA1- and BRCA2-Associated Hereditary Breast and Ovarian Cancer. Identifiers: Orphanet 145, MedGen C0677776, MeSH D061325, MONDO:0003582. Disease mechanism: loss of function.

Allele frequency attached by ClinVar (database versions not stated): gnomAD exomes below 0.00001.
gnomAD v4.1: 1 of 1,613,972 alleles (0.000062%); highest among the groups gnomAD compares: East Asian, 0.0022%; no homozygotes.

Submission:

Labcorp Genetics (formerly Invitae), Labcorp
Classification: Uncertain significance for Hereditary breast ovarian cancer syndrome. Last evaluated: 2024-02-12. Review status: criteria provided, single submitter. Criteria: Invitae Variant Classification Sherloc (09022015). Collection method: clinical testing. Allele origin: germline.
Comment: This sequence change replaces serine, which is neutral and polar, with proline, which is neutral and non-polar, at codon 603 of the BRCA1 protein (p.Ser603Pro). This variant is not present in population databases (gnomAD no frequency). This variant has not been reported in the literature in individuals affected with BRCA1-related conditions. Advanced modeling of protein sequence and biophysical properties (such as structural, functional, and spatial information, amino acid conservation, physicochemical variation, residue mobility, and thermodynamic stability) performed at Invitae indicates that this missense variant is not expected to disrupt BRCA1 protein function with a negative predictive value of 95%. In summary, the available evidence is currently insufficient to determine the role of this variant in disease. Therefore, it has been classified as a Variant of Uncertain Significance.

NM_007294.4(BRCA1):c.1807T>C (p.Ser603Pro)

Gene: BRCA1 (BRCA1 DNA repair associated; minus strand). Cytogenetic location: 17q21.31.
Variant type: single nucleotide variant.
Coding change: c.1807T>C on transcript NM_007294.4 (MANE Select); coding-DNA position 1807, T replaced by C.
Protein change: p.Ser603Pro; replaces serine 603 with proline.
Molecular consequence: missense variant. On other transcripts: intron variant (137).
Genome position (GRCh38, 1-based): chr17:43,093,724, A>G on the plus strand (T>C on the coding strand, the complement: BRCA1 is on the minus strand). VCF-style: chr17-43093724-A-G. GRCh37 (hg19) VCF-style: chr17-41245741-A-G.
Other names: c.523+1020T>C (NM_001408500.1, NM_001408497.1, NM_001408498.1 and 3 more transcripts); c.1807T>C, p.Ser603Pro (NM_001407582.1, NM_001407583.1, NM_001407585.1 and 30 more transcripts); c.646+1020T>C (NM_001408466.1, NM_001408452.1, NM_001408457.1 and 11 more transcripts); c.1804T>C, p.Ser602Pro (NM_001407587.1, NM_001407590.1, NM_001407591.1 and 22 more transcripts); c.787+1020T>C (NM_001407973.1, NM_001407980.1, NM_001407993.1 and 19 more transcripts); c.404-2692T>C (NM_001408511.1); c.1594T>C, p.Ser532Pro (NM_001407571.1, NM_001407853.1, NM_001407894.1 and 9 more transcripts); c.1798T>C, p.Ser600Pro (NM_001407646.1, NM_001407647.1); and 40 more; short protein forms S435P, S476P, S514P, S532P, S562P, S576P, S602P, S603P.
Identifiers: ClinVar variation 2711967 (VCV002711967.3), dbSNP rs1555591208, ClinGen allele CA10598403.